The following is an entry in ClinVar:

ClinVar aggregate classification (germline): Benign. Review status: criteria provided, multiple submitters, no conflicts (2 of 4 stars). 3 submissions from 3 submitters: Benign (2). 1 of the submissions does not count toward it. Last evaluated 2021-01-19.

Conditions:
TXNL4A-related disorder. Also called: TXNL4A-related condition.

Allele frequency attached by ClinVar (database versions not stated): TOPMed 0.77083; gnomAD 0.77978 and 0.78505; 1000 Genomes Project 30x 0.78966; 1000 Genomes Project 0.79812; gnomAD exomes 0.83345.

Submissions (7):

GeneDx
Classification: Benign. Last evaluated: 2021-01-19. Review status: criteria provided, single submitter. Criteria: GeneDx Variant Classification Process June 2021. Collection method: clinical testing. Allele origin: germline. Affected: yes.

Breakthrough Genomics
Classification: Benign. Review status: criteria provided, single submitter. Criteria: ACMG Guidelines, 2015. Collection method: not provided. Allele origin: germline. Inheritance: Autosomal recessive inheritance. Affected: yes.

PreventionGenetics, part of Exact Sciences
Classification: Benign for TXNL4A-related condition. Last evaluated: 2023-01-09. Review status: no assertion criteria provided. Collection method: clinical testing. Allele origin: germline. Not counted in ClinVar's aggregate classification.
Comment: This variant is classified as benign based on ACMG/AMP sequence variant interpretation guidelines (Richards et al. 2015 PMID: 25741868, with internal and published modifications).

Dr. Peter K. Rogan Lab, Western University
No classification provided (evidence only). Condition: Lung cancer. Review status: no classification provided. Collection method: in vitro. Allele origin: not applicable. Functional consequence: retained intron. Not counted in ClinVar's aggregate classification.

Dr. Peter K. Rogan Lab, Western University
No classification provided (evidence only). Condition: Malignant lymphoma, large B-cell, diffuse. Review status: no classification provided. Collection method: in vitro. Allele origin: not applicable. Functional consequence: retained intron. Not counted in ClinVar's aggregate classification.

Dr. Peter K. Rogan Lab, Western University
No classification provided (evidence only). Condition: Uterine carcinosarcoma. Review status: no classification provided. Collection method: in vitro. Allele origin: not applicable. Functional consequence: retained intron. Not counted in ClinVar's aggregate classification.

Dr. Peter K. Rogan Lab, Western University
No classification provided (evidence only). Condition: Uterine carcinosarcoma. Review status: no classification provided. Collection method: in vitro. Allele origin: not applicable. Functional consequence: retained intron. Not counted in ClinVar's aggregate classification.

NM_006701.5(TXNL4A):c.-133T>G

Genes: TXNL4A (thioredoxin like 4A; minus strand), LOC130062794 (ATAC-STARR-seq lymphoblastoid silent region 9585; plus strand). Cytogenetic location: 18q23.
Variant type: single nucleotide variant.
Coding change: c.-133T>G on transcript NM_006701.5 (MANE Select); 133 bases upstream of the start codon, T replaced by G.
Molecular consequence: 5 prime UTR variant. On other transcripts: non-coding transcript variant (3), intron variant (2).
Genome position (GRCh38, 1-based): chr18:79,988,525, A>C on the plus strand (T>G on the coding strand, the complement: TXNL4A is on the minus strand). VCF-style: chr18-79988525-A-C. GRCh37 (hg19) VCF-style: chr18-77748525-A-C.
Other names: NC_000018.9:g.77748525A>C; c.-399T>G (NM_001303471.3); c.-133T>G (NM_001305557.2, NM_006701.4); c.-60-10824T>G (NM_001305564.2, NM_001305563.2).
Identifiers: ClinVar variation 1270135 (VCV001270135.5), dbSNP rs1077511, ClinGen allele CA14526197.